The following is an entry in ClinVar:

ClinVar aggregate classification (germline): Uncertain significance. Review status: criteria provided, multiple submitters, no conflicts (2 of 4 stars). 2 submissions from 2 submitters: Uncertain significance (2). Last evaluated 2024-06-15.

Conditions:
Wolcott-Rallison dysplasia. Also called: MED-IDDM SYNDROME; Wolcott-Rallison syndrome. Identifiers: Orphanet 1667, MedGen C0432217, MONDO:0009192, OMIM 226980.

Submissions (2):

Labcorp Genetics (formerly Invitae), Labcorp
Classification: Uncertain significance. Last evaluated: 2024-06-15. Review status: criteria provided, single submitter. Criteria: Invitae Variant Classification Sherloc (09022015). Collection method: clinical testing. Allele origin: germline.
Comment: This sequence change replaces alanine, which is neutral and non-polar, with serine, which is neutral and polar, at codon 218 of the EIF2AK3 protein (p.Ala218Ser). This variant is not present in population databases (gnomAD no frequency). This variant has not been reported in the literature in individuals affected with EIF2AK3-related conditions. An algorithm developed to predict the effect of missense changes on protein structure and function (PolyPhen-2) suggests that this variant is likely to be tolerated. In summary, the available evidence is currently insufficient to determine the role of this variant in disease. Therefore, it has been classified as a Variant of Uncertain Significance.

Fulgent Genetics
Classification: Uncertain significance for Wolcott-Rallison dysplasia. Last evaluated: 2024-02-20. Review status: criteria provided, single submitter. Criteria: ACMG Guidelines, 2015. Collection method: clinical testing. Allele origin: germline.

NM_004836.7(EIF2AK3):c.652G>T (p.Ala218Ser)

Gene: EIF2AK3 (eukaryotic translation initiation factor 2 alpha kinase 3; minus strand). Cytogenetic location: 2p11.2.
Variant type: single nucleotide variant.
Coding change: c.652G>T on transcript NM_004836.7 (MANE Select); coding-DNA position 652, G replaced by T.
Protein change: p.Ala218Ser; replaces alanine 218 with serine.
Molecular consequence: missense variant.
Genome position (GRCh38, 1-based): chr2:88,593,387, C>A on the plus strand (G>T on the coding strand, the complement: EIF2AK3 is on the minus strand). VCF-style: chr2-88593387-C-A. GRCh37 (hg19) VCF-style: chr2-88892905-C-A.
Other names: c.199G>T, p.Ala67Ser (NM_001313915.2); short protein forms A67S, A218S.
Identifiers: ClinVar variation 3587009 (VCV003587009.3).